The following is an entry in ClinVar:

ClinVar aggregate classification (germline): Likely pathogenic (1 of 4 stars; one submission).

Conditions:
Lowe syndrome (OCRL). Also called: LOWE OCULOCEREBRORENAL SYNDROME; PHOSPHATIDYLINOSITOL 4,5-BISPHOSPHATE 5-PHOSPHATASE DEFICIENCY; Oculocerebrorenal Syndrome. Identifiers: Orphanet 534, MedGen C0028860, MONDO:0010645, OMIM 309000.

Submission:

Juno Genomics, Hangzhou Juno Genomics, Inc
Classification: Likely pathogenic for Lowe syndrome. Review status: criteria provided, single submitter. Criteria: ACMG Guidelines, 2015. Collection method: clinical testing. Allele origin: germline. Affected: yes.
Comment: Absent from controls (or at extremely low frequency if recessive) in Genome Aggregation Database, Exome Sequencing Project, 1000 Genomes Project, or Exome Aggregation Consortium.;Null variant in a gene where loss of function (LOF) is a known mechanism of disease.

NM_000276.4(OCRL):c.1753G>T (p.Glu585Ter)

Gene: OCRL (OCRL inositol polyphosphate-5-phosphatase; plus strand). Cytogenetic location: Xq26.1.
Variant type: single nucleotide variant.
Coding change: c.1753G>T on transcript NM_000276.4 (MANE Select); coding-DNA position 1753, G replaced by T.
Protein change: p.Glu585Ter; replaces glutamic acid 585 with a stop codon.
Molecular consequence: nonsense.
Genome position (GRCh38, 1-based): chrX:129,575,936, G>T. VCF-style: chrX-129575936-G-T. GRCh37 (hg19) VCF-style: chrX-128709913-G-T.
Other names: c.1753G>T, p.Glu585Ter (NM_001587.4); c.1756G>T, p.Glu586Ter (NM_001318784.2); short protein forms E585*, E586*.
Identifiers: ClinVar variation 3383193 (VCV003383193.2).